The following is an entry in ClinVar:

NM_000195.5(HPS1):c.1120del (p.Leu374fs)

Gene: HPS1 (HPS1 biogenesis of lysosomal organelles complex 3 subunit 1; minus strand). Cytogenetic location: 10q24.2.
Variant type: Deletion.
Coding change: c.1120del on transcript NM_000195.5 (MANE Select); coding-DNA position 1120, one base deleted (C; older notation c.1120delC).
Protein change: p.Leu374fs; shifts the reading frame from leucine 374.
Molecular consequence: frameshift variant.
Genome position (GRCh38, 1-based): chr10:98,425,853, G deleted on the plus strand (C on the coding strand, the reverse complement: HPS1 is on the minus strand); the first of 4 consecutive G bases (chr10:98,425,853-98,425,856); deleting any one gives the same sequence. VCF-style (leftmost placement, unchanged base first): chr10-98425852-AG-A. GRCh37 (hg19) VCF-style: chr10-100185609-AG-A.
Other names: c.760del, p.Leu254fs (NM_001322482.2); c.751del, p.Leu251fs (NM_001322483.2, NM_001322484.2); c.652del, p.Leu218fs (NM_001322485.2); c.148del, p.Leu50fs (NM_001322487.2, NM_001322489.2, NM_001311345.2); c.1120del, p.Leu374fs (NM_001322476.2, NM_001322477.2); c.1021del, p.Leu341fs (NM_001322478.2, NM_001322479.2); c.859del, p.Leu287fs (NM_001322480.2, NM_001322481.2); short protein forms L287fs, L218fs, L254fs, L374fs, L251fs, L341fs, L50fs.
Identifiers: ClinVar variation 2847064 (VCV002847064.3), dbSNP rs2538837971, ClinGen allele CA2610458619.

ClinVar aggregate classification (germline): Pathogenic (1 of 4 stars; one submission).

Submission:

Labcorp Genetics (formerly Invitae), Labcorp
Classification: Pathogenic. Last evaluated: 2023-03-18. Review status: criteria provided, single submitter. Criteria: Invitae Variant Classification Sherloc (09022015). Collection method: clinical testing. Allele origin: germline.
Comment: For these reasons, this variant has been classified as Pathogenic. This variant has not been reported in the literature in individuals affected with HPS1-related conditions. This variant is not present in population databases (gnomAD no frequency). This sequence change creates a premature translational stop signal (p.Leu374Cysfs*10) in the HPS1 gene. It is expected to result in an absent or disrupted protein product. Loss-of-function variants in HPS1 are known to be pathogenic (PMID: 12442288, 16185271).

Literature cited by the submitters: PubMed 12442288; PubMed 16185271.